The following is an entry in ClinVar:

NM_000051.4(ATM):c.8519T>G (p.Leu2840Trp)

Genes: C11orf65 (chromosome 11 open reading frame 65; minus strand), ATM (ATM serine/threonine kinase; plus strand). Cytogenetic location: 11q22.3.
Variant type: single nucleotide variant.
Coding change: c.8519T>G on transcript NM_000051.4 (MANE Select); coding-DNA position 8519, T replaced by G.
Protein change: p.Leu2840Trp; replaces leucine 2840 with tryptophan.
Molecular consequence: missense variant. On other transcripts: intron variant (2).
Genome position (GRCh38, 1-based): chr11:108,345,843, T>G. VCF-style: chr11-108345843-T-G. GRCh37 (hg19) VCF-style: chr11-108216570-T-G.
Other names: c.8519T>G, p.Leu2840Trp (NM_001351834.2); c.641-36772A>C (NM_001330368.2); c.695-10551A>C (NM_001351110.2); short protein forms L2840W.
Identifiers: ClinVar variation 5031284 (VCV005031284.1).

ClinVar aggregate classification (germline): Uncertain significance (1 of 4 stars; one submission).

Conditions:
Hereditary cancer-predisposing syndrome. Also called: Neoplastic Syndromes, Hereditary; Tumor predisposition; Hereditary neoplastic syndrome; Hereditary Cancer Syndrome. Identifiers: Orphanet 140162, MedGen C0027672, MeSH D009386, MONDO:0015356.

Submission:

Ambry Genetics
Classification: Uncertain significance for Hereditary cancer-predisposing syndrome. Last evaluated: 2026-06-23. Review status: criteria provided, single submitter. Criteria: Ambry Variant Classification Scheme 2023. Collection method: clinical testing. Allele origin: germline.
Comment: The p.L2840W variant (also known as c.8519T>G), located in coding exon 57 of the ATM gene, results from a T to G substitution at nucleotide position 8519. The leucine at codon 2840 is replaced by tryptophan, an amino acid with similar properties. In an assay testing ATM function, this variant showed a functionally normal result (Lee KS et al. Cell, 2025 Sep;188:5081-5099.e27). This amino acid position is highly conserved in available vertebrate species. In addition, the in silico prediction for this alteration is inconclusive. Based on the available evidence, the clinical significance of this variant remains unclear.

Literature cited by the submitters: PubMed 40580951.